The following is an entry in ClinVar:

ClinVar aggregate classification (germline): Uncertain significance (1 of 4 stars; one submission).

Conditions:
Familial cold autoinflammatory syndrome 3 (FCAS3). Also called: ANTIBODY DEFICIENCY AND IMMUNE DYSREGULATION, PLCG2-ASSOCIATED; FAMILIAL ATYPICAL COLD URTICARIA. Identifiers: Orphanet 300359, MedGen C3280914, MONDO:0013766, OMIM 614468.

gnomAD v4.1: 2 of 1,613,904 alleles (0.00012%); highest among the groups gnomAD compares: Non-Finnish European, 0.00017%; no homozygotes.

Submission:

Labcorp Genetics (formerly Invitae), Labcorp
Classification: Uncertain significance for Familial cold autoinflammatory syndrome 3. Last evaluated: 2025-09-21. Review status: criteria provided, single submitter. Criteria: Invitae Variant Classification Sherloc (09022015). Collection method: clinical testing. Allele origin: germline.
Comment: This sequence change replaces phenylalanine, which is neutral and non-polar, with valine, which is neutral and non-polar, at codon 505 of the PLCG2 protein (p.Phe505Val). This variant is not present in population databases (gnomAD no frequency). This variant has not been reported in the literature in individuals affected with PLCG2-related conditions. An algorithm developed to predict the effect of missense changes on protein structure and function (PolyPhen-2) suggests that this variant is likely to be tolerated. In summary, the available evidence is currently insufficient to determine the role of this variant in disease. Therefore, it has been classified as a Variant of Uncertain Significance.

NM_002661.5(PLCG2):c.1513T>G (p.Phe505Val)

Gene: PLCG2 (phospholipase C gamma 2; plus strand). Cytogenetic location: 16q23.3.
Variant type: single nucleotide variant.
Coding change: c.1513T>G on transcript NM_002661.5 (MANE Select); coding-DNA position 1513, T replaced by G.
Protein change: p.Phe505Val; replaces phenylalanine 505 with valine.
Molecular consequence: missense variant.
Genome position (GRCh38, 1-based): chr16:81,907,730, T>G. VCF-style: chr16-81907730-T-G. GRCh37 (hg19) VCF-style: chr16-81941335-T-G.
Other names: c.1513T>G, p.Phe505Val (NM_001425749.1, NM_001425750.1, NM_001425751.1); short protein forms F505V.
Identifiers: ClinVar variation 4700653 (VCV004700653.1).